The following is an entry in ClinVar:

ClinVar aggregate classification (germline): Uncertain significance (1 of 4 stars; one submission).

Conditions:
CHARGE syndrome (CHARGE). Also called: Hittner Hirsch Kreh syndrome; CHARGE ASSOCIATION--COLOBOMA, HEART ANOMALY, CHOANAL ATRESIA, RETARDATION, GENITAL AND EAR ANOMALIES; Coloboma, heart anomaly, choanal atresia, retardation, genital and ear anomalies; CHARGE association; Hall-Hittner syndrome. Identifiers: Orphanet 138, MedGen C0265354, MONDO:0008965.

Allele frequency attached by ClinVar (database versions not stated): gnomAD exomes below 0.00001; ExAC 0.00001.
gnomAD v4.1: 6 of 1,611,042 alleles (0.00037%); highest among the groups gnomAD compares: African/African-American, 0.004%; no homozygotes.

Submission:

Labcorp Genetics (formerly Invitae), Labcorp
Classification: Uncertain significance for CHARGE syndrome. Last evaluated: 2025-02-27. Review status: criteria provided, single submitter. Criteria: Invitae Variant Classification Sherloc (09022015). Collection method: clinical testing. Allele origin: germline.
Comment: This sequence change replaces glutamic acid, which is acidic and polar, with lysine, which is basic and polar, at codon 679 of the SEMA3E protein (p.Glu679Lys). This variant is present in population databases (rs759382770, gnomAD 0.007%). This variant has not been reported in the literature in individuals affected with SEMA3E-related conditions. ClinVar contains an entry for this variant (Variation ID: 2157045). Invitae Evidence Modeling of protein sequence and biophysical properties (such as structural, functional, and spatial information, amino acid conservation, physicochemical variation, residue mobility, and thermodynamic stability) indicates that this missense variant is not expected to disrupt SEMA3E protein function with a negative predictive value of 80%. In summary, the available evidence is currently insufficient to determine the role of this variant in disease. Therefore, it has been classified as a Variant of Uncertain Significance.

NM_012431.3(SEMA3E):c.2035G>A (p.Glu679Lys)

Gene: SEMA3E (semaphorin 3E; minus strand). Cytogenetic location: 7q21.11.
Variant type: single nucleotide variant.
Coding change: c.2035G>A on transcript NM_012431.3 (MANE Select); coding-DNA position 2035, G replaced by A.
Protein change: p.Glu679Lys; replaces glutamic acid 679 with lysine.
Molecular consequence: missense variant.
Genome position (GRCh38, 1-based): chr7:83,367,879, C>T on the plus strand (G>A on the coding strand, the complement: SEMA3E is on the minus strand). VCF-style: chr7-83367879-C-T. GRCh37 (hg19) VCF-style: chr7-82997195-C-T.
Other names: c.1855G>A, p.Glu619Lys (NM_001178129.2); short protein forms E619K, E679K.
Identifiers: ClinVar variation 2157045 (VCV002157045.4), dbSNP rs759382770, ClinGen allele CA4321841.